The following is an entry in ClinVar:

ClinVar aggregate classification (germline): Uncertain significance (1 of 4 stars; one submission).

Conditions:
Congenital contractural arachnodactyly (CCA). Also called: Beals-Hecht syndrome; BEALS SYNDROME; Arthrogryposis, distal, type 9. Identifiers: Orphanet 115, MedGen C0220668, MONDO:0007363, OMIM 121050.

Submission:

Labcorp Genetics (formerly Invitae), Labcorp
Classification: Uncertain significance for Congenital contractural arachnodactyly. Last evaluated: 2023-04-21. Review status: criteria provided, single submitter. Criteria: Invitae Variant Classification Sherloc (09022015). Collection method: clinical testing. Allele origin: germline.
Comment: In summary, the available evidence is currently insufficient to determine the role of this variant in disease. Therefore, it has been classified as a Variant of Uncertain Significance. Variants that disrupt the consensus splice site are a relatively common cause of aberrant splicing (PMID: 17576681, 9536098). Algorithms developed to predict the effect of sequence changes on RNA splicing suggest that this variant may disrupt the consensus splice site. This variant has been observed in individual(s) with aortic aneurysm (Invitae). This variant is not present in population databases (gnomAD no frequency). This sequence change falls in intron 22 of the FBN2 gene. It does not directly change the encoded amino acid sequence of the FBN2 protein. It affects a nucleotide within the consensus splice site.

Literature cited by the submitters: PubMed 17576681; PubMed 9536098.

NM_001999.4(FBN2):c.2863+5G>A

Gene: FBN2 (fibrillin 2; minus strand). Cytogenetic location: 5q23.3.
Variant type: single nucleotide variant.
Coding change: c.2863+5G>A on transcript NM_001999.4 (MANE Select); 5 bases into the intron after coding-DNA position 2863, G replaced by A.
Molecular consequence: intron variant.
Genome position (GRCh38, 1-based): chr5:128,349,950, C>T on the plus strand (G>A on the coding strand, the complement: FBN2 is on the minus strand). VCF-style: chr5-128349950-C-T. GRCh37 (hg19) VCF-style: chr5-127685642-C-T.
Identifiers: ClinVar variation 2847155 (VCV002847155.3), dbSNP rs1751302991, ClinGen allele CA2739275021.